The following is an entry in ClinVar:

ClinVar aggregate classification (germline): Uncertain significance. Review status: criteria provided, multiple submitters, no conflicts (2 of 4 stars). 2 submissions from 2 submitters: Uncertain significance (2). Last evaluated 2026-09-01.

Conditions:
Hereditary cancer-predisposing syndrome. Also called: Tumor predisposition; Hereditary Cancer Syndrome; Hereditary neoplastic syndrome; Neoplastic Syndromes, Hereditary. Identifiers: Orphanet 140162, MedGen C0027672, MeSH D009386, MONDO:0015356.
Hereditary nonpolyposis colorectal neoplasms. Identifiers: MedGen C0009405, MeSH D003123.

Submissions (2):

Ambry Genetics
Classification: Uncertain significance for Hereditary cancer-predisposing syndrome. Last evaluated: 2026-09-01. Review status: criteria provided, single submitter. Criteria: Ambry Variant Classification Scheme 2023. Collection method: clinical testing. Allele origin: germline.
Comment: The p.V490L variant (also known as c.1468G>T), located in coding exon 11 of the PMS2 gene, results from a G to T substitution at nucleotide position 1468. The valine at codon 490 is replaced by leucine, an amino acid with highly similar properties. This amino acid position is conserved. In addition, this alteration is predicted to be tolerated by in silico analysis. Based on the available evidence, the clinical significance of this variant remains unclear.

Labcorp Genetics (formerly Invitae), Labcorp
Classification: Uncertain significance for Hereditary nonpolyposis colorectal neoplasms. Last evaluated: 2020-10-15. Review status: criteria provided, single submitter. Criteria: Invitae Variant Classification Sherloc (09022015). Collection method: clinical testing. Allele origin: germline.
Comment: This sequence change replaces valine with leucine at codon 490 of the PMS2 protein (p.Val490Leu). The valine residue is weakly conserved and there is a small physicochemical difference between valine and leucine. This variant is not present in population databases (ExAC no frequency). This variant has not been reported in the literature in individuals with PMS2-related conditions. Advanced modeling of protein sequence and biophysical properties (such as structural, functional, and spatial information, amino acid conservation, physicochemical variation, residue mobility, and thermodynamic stability) performed at Invitae indicates that this missense variant is not expected to disrupt PMS2 protein function. In summary, the available evidence is currently insufficient to determine the role of this variant in disease. Therefore, it has been classified as a Variant of Uncertain Significance.

NM_000535.7(PMS2):c.1468G>T (p.Val490Leu)

Gene: PMS2 (PMS1 homolog 2, mismatch repair system component; minus strand). Cytogenetic location: 7p22.1.
Variant type: single nucleotide variant.
Coding change: c.1468G>T on transcript NM_000535.7 (MANE Select); coding-DNA position 1468, G replaced by T.
Protein change: p.Val490Leu; replaces valine 490 with leucine.
Molecular consequence: missense variant. On other transcripts: non-coding transcript variant (1).
Genome position (GRCh38, 1-based): chr7:5,987,297, C>A on the plus strand (G>T on the coding strand, the complement: PMS2 is on the minus strand). VCF-style: chr7-5987297-C-A. GRCh37 (hg19) VCF-style: chr7-6026928-C-A.
Other names: c.1063G>T, p.Val355Leu (NM_001322003.2, NM_001322004.2, NM_001322005.2 and 1 more transcripts); c.1312G>T, p.Val438Leu (NM_001322006.2); c.1150G>T, p.Val384Leu (NM_001322007.2, NM_001322008.2); c.907G>T, p.Val303Leu (NM_001322010.2); c.535G>T, p.Val179Leu (NM_001322011.2, NM_001322012.2); c.895G>T, p.Val299Leu (NM_001322013.2); c.1468G>T, p.Val490Leu (NM_001322014.2); c.1159G>T, p.Val387Leu (NM_001322015.2); and 1 more; short protein forms V179L, V299L, V303L, V355L, V384L, V387L, V438L, V490L.
Identifiers: ClinVar variation 1017951 (VCV001017951.9), dbSNP rs1783082219, ClinGen allele CA366741877.
Genomic context (GRCh38, chr7:5,987,297, plus strand): 5'-CTGGGATGCTGAACCCCTCAGAATCCACGGAAGTGCTGCCGTGCCCCGAGTCCTTCTCCA[C>A]CTCCGCTCTGTCCGTAGGGTCACTGGGTCCGTGACTGGAACTCACTGCCTCTTTCTGAGG-3'
Protein context (NP_000526.2, residues 480-500): GPSDPTDRAE[Val490Leu]EKDSGHGSTS